The following is an entry in ClinVar:

ClinVar aggregate classification (germline): Uncertain significance (1 of 4 stars; one submission).

Conditions:
Pitt-Hopkins-like syndrome 2 (PTHSL2). Identifiers: Orphanet 221150, Orphanet 600663, MedGen C3280479, MONDO:0013690, OMIM 614325.

Allele frequency attached by ClinVar (database versions not stated): gnomAD exomes below 0.00001; ExAC 0.00001; gnomAD 0.00001; TOPMed 0.00001.
gnomAD v4.1: 7 of 1,610,508 alleles (0.00043%); highest among the groups gnomAD compares: African/African-American, 0.0013%; 1 homozygote.

Submission:

Labcorp Genetics (formerly Invitae), Labcorp
Classification: Uncertain significance for Pitt-Hopkins-like syndrome 2. Last evaluated: 2023-08-27. Review status: criteria provided, single submitter. Criteria: Invitae Variant Classification Sherloc (09022015). Collection method: clinical testing. Allele origin: germline.
Comment: This sequence change falls in intron 7 of the NRXN1 gene. It does not directly change the encoded amino acid sequence of the NRXN1 protein. It affects a nucleotide within the consensus splice site. This variant is present in population databases (rs758040452, gnomAD 0.007%). This variant has not been reported in the literature in individuals affected with NRXN1-related conditions. ClinVar contains an entry for this variant (Variation ID: 1352816). Variants that disrupt the consensus splice site are a relatively common cause of aberrant splicing (PMID: 17576681, 9536098). Algorithms developed to predict the effect of sequence changes on RNA splicing suggest that this variant is not likely to affect RNA splicing. In summary, the available evidence is currently insufficient to determine the role of this variant in disease. Therefore, it has been classified as a Variant of Uncertain Significance.

Literature cited by the submitters: PubMed 17576681; PubMed 9536098.

NM_001330078.2(NRXN1):c.1134+6A>G

Gene: NRXN1 (neurexin 1; minus strand). Cytogenetic location: 2p16.3.
Variant type: single nucleotide variant.
Coding change: c.1134+6A>G on transcript NM_001330078.2 (MANE Select); 6 bases into the intron after coding-DNA position 1134, A replaced by G.
Molecular consequence: intron variant.
Genome position (GRCh38, 1-based): chr2:50,623,308, T>C on the plus strand (A>G on the coding strand, the complement: NRXN1 is on the minus strand). VCF-style: chr2-50623308-T-C. GRCh37 (hg19) VCF-style: chr2-50850446-T-C.
Other names: c.1074+6A>G (NM_001330096.2, NM_001330087.2, NM_001330083.2 and 1 more transcripts); c.1104+6A>G (NM_001330088.2); c.1131+6A>G (NM_001330093.2); c.1122+6A>G (NM_001330094.2); c.1134+6A>G (NM_001330095.2, NM_001330082.2, NM_001330077.2 and 3 more transcripts); c.1233+6A>G (NM_001135659.3).
Identifiers: ClinVar variation 1352816 (VCV001352816.6), dbSNP rs758040452, ClinGen allele CA1655125.